The following is an entry in ClinVar:

NM_000297.4(PKD2):c.783del (p.Val262fs)

Gene: PKD2 (polycystin 2, transient receptor potential cation channel; plus strand). Cytogenetic location: 4q22.1.
Variant type: Deletion.
Coding change: c.783del on transcript NM_000297.4 (MANE Select); coding-DNA position 783, one base deleted (C; older notation c.783delC).
Protein change: p.Val262fs; shifts the reading frame from valine 262.
Molecular consequence: frameshift variant. On other transcripts: non-coding transcript variant (1).
Genome position (GRCh38, 1-based): chr4:88,036,293, C deleted; the last of 5 consecutive C bases (chr4:88,036,289-88,036,293); deleting any one gives the same sequence. VCF-style (leftmost placement, unchanged base first): chr4-88036288-AC-A. GRCh37 (hg19) VCF-style: chr4-88957440-AC-A.
Other names: short protein forms V262fs.
Identifiers: ClinVar variation 3255041 (VCV003255041.2), dbSNP rs2110104877.

ClinVar aggregate classification (germline): Pathogenic (1 of 4 stars; one submission).

Conditions:
Polycystic kidney disease 2 (PKD2). Also called: Polycystic Kidney Disease 2, Autosomal Dominant; POLYCYSTIC KIDNEY DISEASE, ADULT, TYPE II; POLYCYSTIC KIDNEY DISEASE 2 WITH OR WITHOUT POLYCYSTIC LIVER DISEASE. Identifiers: MedGen C2751306, MONDO:0013131, OMIM 613095.

Submission:

Victorian Clinical Genetics Services, Murdoch Childrens Research Institute
Classification: Pathogenic for Polycystic kidney disease 2. Last evaluated: 2024-09-23. Review status: criteria provided, single submitter. Criteria: ACMG Guidelines, 2015. Collection method: clinical testing. Allele origin: germline. Inheritance: Autosomal dominant inheritance. Affected: yes.
Comment: Based on the classification scheme VCGS_Germline_v1.3.4, this variant is classified as Pathogenic. Following criteria are met: 0102 - Loss of function is a known mechanism of disease in this gene and is associated with polycystic kidney disease 2 (MIM#613095). (I) 0107 - This gene is associated with autosomal dominant disease. (I) 0201 - Variant is predicted to cause nonsense-mediated decay (NMD) and loss of protein (premature termination codon is located at least 54 nucleotides upstream of the final exon-exon junction). (SP) 0251 - This variant is heterozygous. (I) 0301 - Variant is absent from gnomAD (both v2 and v3). (SP) 0701 - Other NMD-predicted variants comparable to the one identified in this case have very strong previous evidence for pathogenicity (DECIPHER). (SP) 0803 - This variant has limited previous evidence of pathogenicity in an unrelated individual. The variant c.783_784delCGinsT; p.(Val262Cysfs*55) has been reported as pathogenic (ADPKD Variant Database). (SP) 0905 - No published segregation evidence has been identified for this variant. (I) 1007 - No published functional evidence has been identified for this variant. (I) 1208 - Inheritance information for this variant is not currently available in this individual. (I) Legend: (SP) - Supporting pathogenic, (I) - Information, (SB) - Supporting benign